The following is an entry in ClinVar:

ClinVar aggregate classification (germline): Conflicting classifications of pathogenicity. Review status: criteria provided, conflicting classifications (1 of 4 stars). 2 submissions from 2 submitters: Uncertain significance (1); Likely benign (1). Last evaluated 2024-12-09.

Conditions:
MASP2-related disorder. Also called: MASP2-related condition.
Immunodeficiency due to MASP-2 deficiency. Also called: MASP2 deficiency; LECTIN COMPLEMENT ACTIVATION PATHWAY, DEFECT IN, 2. Identifiers: Orphanet 331187, MedGen C3151085, MONDO:0013423, OMIM 613791.

Allele frequency attached by ClinVar (database versions not stated): ESP Exome Variant Server 0.00015; gnomAD 0.00025; TOPMed 0.00031; ExAC 0.00043; gnomAD exomes 0.00059.
gnomAD v4.1: 418 of 1,605,640 alleles (0.026%); highest among the groups gnomAD compares: Middle Eastern, 0.017%; 2 homozygotes.

Submissions (2):

PreventionGenetics, part of Exact Sciences
Classification: Likely benign for MASP2-related condition. Last evaluated: 2024-12-09. Review status: criteria provided, single submitter. Criteria: ACMG Guidelines, 2015. Collection method: clinical testing. Allele origin: germline.
Comment: This variant is classified as likely benign based on ACMG/AMP sequence variant interpretation guidelines (Richards et al. 2015 PMID: 25741868, with internal and published modifications).

Illumina Laboratory Services, Illumina
Classification: Uncertain significance for Immunodeficiency due to MASP-2 deficiency. Last evaluated: 2017-05-02. Review status: criteria provided, single submitter. Criteria: ICSL Variant Classification Criteria 13 December 2019. Collection method: clinical testing. Allele origin: germline.
Comment: This variant was observed as part of a predisposition screen in an ostensibly healthy population. A literature search was performed for the gene, cDNA change, and amino acid change (where applicable). Publications were found based on this search. However, the evidence from the literature, in combination with allele frequency data from public databases where available, was not sufficient to rule this variant in or out of causing disease. Therefore, this variant is classified as a variant of unknown significance.

Literature cited by the submitters: PubMed 25930971 (cited by Illumina Laboratory Services, Illumina).

NM_006610.4(MASP2):c.1213G>A (p.Val405Met)

Gene: MASP2 (MBL associated serine protease 2; minus strand). Cytogenetic location: 1p36.22.
Variant type: single nucleotide variant.
Coding change: c.1213G>A on transcript NM_006610.4 (MANE Select); coding-DNA position 1213, G replaced by A.
Protein change: p.Val405Met; replaces valine 405 with methionine.
Molecular consequence: missense variant.
Genome position (GRCh38, 1-based): chr1:11,030,757, C>T on the plus strand (G>A on the coding strand, the complement: MASP2 is on the minus strand). VCF-style: chr1-11030757-C-T. GRCh37 (hg19) VCF-style: chr1-11090814-C-T.
Other names: short protein forms V405M.
Identifiers: ClinVar variation 874850 (VCV000874850.5), dbSNP rs61735594, ClinGen allele CA586760.